The following is an entry in ClinVar:

ClinVar aggregate classification (germline): Likely benign (1 of 4 stars; one submission).

Allele frequency attached by ClinVar (database versions not stated): gnomAD exomes below 0.00001.
gnomAD v4.1: 1 of 1,596,788 alleles (0.000063%); highest among the groups gnomAD compares: Non-Finnish European, 0.000086%; no homozygotes.

Submission:

GeneDx
Classification: Likely benign. Last evaluated: 2017-08-23. Review status: criteria provided, single submitter. Criteria: GeneDx Variant Classification (06012015). Collection method: clinical testing. Allele origin: germline. Affected: yes.
Comment: This variant is considered likely benign or benign based on one or more of the following criteria: it is a conservative change, it occurs at a poorly conserved position in the protein, it is predicted to be benign by multiple in silico algorithms, and/or has population frequency not consistent with disease.

NM_012233.3(RAB3GAP1):c.831-14T>G

Gene: RAB3GAP1 (RAB3 GTPase activating protein catalytic subunit 1; plus strand). Cytogenetic location: 2q21.3.
Variant type: single nucleotide variant.
Coding change: c.831-14T>G on transcript NM_012233.3 (MANE Select); 14 bases into the intron before coding-DNA position 831, T replaced by G.
Molecular consequence: intron variant.
Genome position (GRCh38, 1-based): chr2:135,126,167, T>G. VCF-style: chr2-135126167-T-G. GRCh37 (hg19) VCF-style: chr2-135883737-T-G.
Other names: c.831-14T>G (NM_001172435.2).
Identifiers: ClinVar variation 511683 (VCV000511683.1), dbSNP rs1553446155, ClinGen allele CA658795847.